The following is an entry in ClinVar:

NM_001367624.2(ZNF469):c.4574G>C (p.Ser1525Thr)

Gene: ZNF469 (zinc finger protein 469; plus strand). Cytogenetic location: 16q24.2.
Variant type: single nucleotide variant.
Coding change: c.4574G>C on transcript NM_001367624.2 (MANE Select); coding-DNA position 4574, G replaced by C.
Protein change: p.Ser1525Thr; replaces serine 1525 with threonine.
Molecular consequence: missense variant.
Genome position (GRCh38, 1-based): chr16:88,432,044, G>C. VCF-style: chr16-88432044-G-C. GRCh37 (hg19) VCF-style: chr16-88498452-G-C.
Other names: short protein forms S1525T.
Identifiers: ClinVar variation 320927 (VCV000320927.7), dbSNP rs545662898, ClinGen allele CA8224978.
Genomic context (GRCh38, chr16:88,432,044, plus strand): 5'-AGGAAGTATCCCCGATGCTGCCTAGCCATTTTCCTGATCTCTCGGGGGGAAAGGTGCTCA[G>C]TAAGACGTGTCCCCCTGAACGGACAGTGGTTCCCGGCGCCGCCCCATCTTTGCCTGGGAA-3'
Protein context (NP_001354553.1, residues 1515-1535): FPDLSGGKVL[Ser1525Thr]KTCPPERTVV

ClinVar aggregate classification (germline): Uncertain significance (1 of 4 stars; one submission).

Conditions:
Cardiovascular phenotype. Identifiers: MedGen CN230736.

Allele frequency attached by ClinVar (database versions not stated): gnomAD exomes 0.00003; ExAC 0.00005; gnomAD 0.00006; TOPMed 0.00007; 1000 Genomes Project 30x 0.00016; 1000 Genomes Project 0.00020.
gnomAD v4.1: 38 of 1,550,538 alleles (0.0025%); highest among the groups gnomAD compares: African/African-American, 0.044%; no homozygotes.

Submission:

Ambry Genetics
Classification: Uncertain significance for Cardiovascular phenotype. Last evaluated: 2019-06-11. Review status: criteria provided, single submitter. Criteria: Ambry Variant Classification Scheme 2023. Collection method: clinical testing. Allele origin: germline.
Comment: The p.S1497T variant (also known as c.4490G>C), located in coding exon 2 of the ZNF469 gene, results from a G to C substitution at nucleotide position 4490. The serine at codon 1497 is replaced by threonine, an amino acid with similar properties. This amino acid position is not well conserved in available vertebrate species, and threonine is the reference amino acid in other vertebrate species. In addition, this alteration is predicted to be tolerated by in silico analysis. Since supporting evidence is limited at this time, the clinical significance of this alteration remains unclear.